The following is an entry in ClinVar:

NM_030665.4(RAI1):c.991C>T (p.Pro331Ser)

Gene: RAI1 (retinoic acid induced 1; plus strand). Cytogenetic location: 17p11.2.
Variant type: single nucleotide variant.
Coding change: c.991C>T on transcript NM_030665.4 (MANE Select); coding-DNA position 991, C replaced by T.
Protein change: p.Pro331Ser; replaces proline 331 with serine.
Molecular consequence: missense variant.
Genome position (GRCh38, 1-based): chr17:17,793,939, C>T. VCF-style: chr17-17793939-C-T. GRCh37 (hg19) VCF-style: chr17-17697253-C-T.
Other names: c.991C>T (NM_030665.3); short protein forms P331S.
Identifiers: ClinVar variation 1425978 (VCV001425978.7), dbSNP rs759908203, ClinGen allele CA8418248.

ClinVar aggregate classification (germline): Conflicting classifications of pathogenicity. Review status: criteria provided, conflicting classifications (1 of 4 stars). 2 submissions from 2 submitters: Uncertain significance (1); Likely benign (1). Last evaluated 2025-05-14.

Conditions:
Inborn genetic diseases. Identifiers: MedGen C0950123, MeSH D030342.

Allele frequency attached by ClinVar (database versions not stated): gnomAD exomes below 0.00001 and 0.00001; ExAC 0.00001.
gnomAD v4.1: 2 of 1,613,966 alleles (0.00012%); highest among the groups gnomAD compares: Admixed American, 0.0033%; no homozygotes.

Submissions (2):

Ambry Genetics
Classification: Likely benign for Inborn genetic diseases. Last evaluated: 2025-05-14. Review status: criteria provided, single submitter. Criteria: Ambry Variant Classification Scheme 2023. Collection method: clinical testing. Allele origin: germline.

Labcorp Genetics (formerly Invitae), Labcorp
Classification: Uncertain significance. Last evaluated: 2025-01-06. Review status: criteria provided, single submitter. Criteria: Invitae Variant Classification Sherloc (09022015). Collection method: clinical testing. Allele origin: germline.
Comment: This sequence change replaces proline, which is neutral and non-polar, with serine, which is neutral and polar, at codon 331 of the RAI1 protein (p.Pro331Ser). This variant is present in population databases (rs759908203, gnomAD 0.006%). This variant has not been reported in the literature in individuals affected with RAI1-related conditions. ClinVar contains an entry for this variant (Variation ID: 1425978). Invitae Evidence Modeling of protein sequence and biophysical properties (such as structural, functional, and spatial information, amino acid conservation, physicochemical variation, residue mobility, and thermodynamic stability) indicates that this missense variant is expected to disrupt RAI1 protein function with a positive predictive value of 80%. In summary, the available evidence is currently insufficient to determine the role of this variant in disease. Therefore, it has been classified as a Variant of Uncertain Significance.